The following is an entry in ClinVar:

ClinVar aggregate classification (germline): Conflicting classifications of pathogenicity. Review status: criteria provided, conflicting classifications (1 of 4 stars). 5 submissions from 5 submitters: Uncertain significance (2); Likely benign (2). 1 of the submissions does not count toward it. Last evaluated 2026-01-02.

Conditions:
Genitopatellar syndrome (GTPTS). Also called: Genitopatellar syndrome (GPS); ABSENT PATELLAE, SCROTAL HYPOPLASIA, RENAL ANOMALIES, FACIAL DYSMORPHISM, AND MENTAL RETARDATION. Identifiers: Orphanet 85201, MedGen C1853566, MONDO:0011640, OMIM 606170.
Intellectual disability. Also called: Intellectual developmental disorder; intellectual disabilities; Intellectual functioning disability. Identifiers: MedGen C3714756, MeSH D008607, MONDO:0001071, HP:0001249.
Blepharophimosis - intellectual disability syndrome, SBBYS type (SBBYSS). Also called: Say-Barber-Biesecker Variant of Ohdo Syndrome; Say-Barber-Biesecker variant of Ohdo syndrome (SBBYSS); SBBYSS syndrome; Say-Barber-Biesecker-Young-Simpson syndrome; Say-Barber-Biesecker-Young-Simpson variant of Ohdo Syndrome; Ohdo syndrome, SBBYS variant. Identifiers: Orphanet 3047, MedGen C1863557, MONDO:0011365, OMIM 603736.

Allele frequency attached by ClinVar (database versions not stated): ExAC 0.00002; gnomAD exomes 0.00004 and 0.00005; gnomAD 0.00005 and 0.00006; TOPMed 0.00006.
gnomAD v4.1: 82 of 1,614,036 alleles (0.0051%); highest among the groups gnomAD compares: Non-Finnish European, 0.0061%; no homozygotes.

Submissions (5):

Labcorp Genetics (formerly Invitae), Labcorp
Classification: Uncertain significance for Genitopatellar syndrome. Last evaluated: 2026-01-02. Review status: criteria provided, single submitter. Criteria: Invitae Variant Classification Sherloc (09022015). Collection method: clinical testing. Allele origin: germline.
Comment: This sequence change replaces arginine, which is basic and polar, with cysteine, which is neutral and slightly polar, at codon 572 of the KAT6B protein (p.Arg572Cys). This variant is present in population databases (rs766989154, gnomAD 0.009%). This variant has not been reported in the literature in individuals affected with KAT6B-related conditions. ClinVar contains an entry for this variant (Variation ID: 806517). An algorithm developed to predict the effect of missense changes on protein structure and function (PolyPhen-2) suggests that this variant is likely to be tolerated. In summary, the available evidence is currently insufficient to determine the role of this variant in disease. Therefore, it has been classified as a Variant of Uncertain Significance.

Blueprint Genetics
Classification: Likely benign. Last evaluated: 2024-10-11. Review status: criteria provided, single submitter. Criteria: ACMG Guidelines, 2015. Collection method: clinical testing. Allele origin: germline.

CeGaT Center for Human Genetics Tuebingen
Classification: Likely benign. Last evaluated: 2024-03-01. Review status: criteria provided, single submitter. Criteria: CeGaT Center For Human Genetics Tuebingen Variant Classification Criteria Version 2. Collection method: clinical testing. Allele origin: germline. Affected: yes. Observed: 3 variant alleles.
Comment: KAT6B: BP4, BS2

Fulgent Genetics
Classification: Uncertain significance for Blepharophimosis - intellectual disability syndrome, SBBYS type; Genitopatellar syndrome. Last evaluated: 2021-10-07. Review status: criteria provided, single submitter. Criteria: ACMG Guidelines, 2015. Collection method: clinical testing. Allele origin: unknown.

Centre de Biologie Pathologie Génétique, Centre Hospitalier Universitaire de Lille
Classification: Likely benign for Intellectual disability. Last evaluated: 2019-01-01. Review status: no assertion criteria provided. Collection method: clinical testing. Allele origin: inherited. Affected: yes. Not counted in ClinVar's aggregate classification.

NM_012330.4(KAT6B):c.1714C>T (p.Arg572Cys)

Gene: KAT6B (lysine acetyltransferase 6B; plus strand). Cytogenetic location: 10q22.2.
Variant type: single nucleotide variant.
Coding change: c.1714C>T on transcript NM_012330.4 (MANE Select); coding-DNA position 1714, C replaced by T.
Protein change: p.Arg572Cys; replaces arginine 572 with cysteine.
Molecular consequence: missense variant. On other transcripts: intron variant (13).
Genome position (GRCh38, 1-based): chr10:74,976,051, C>T. VCF-style: chr10-74976051-C-T. GRCh37 (hg19) VCF-style: chr10-76735809-C-T.
Other names: c.1714C>T, p.Arg572Cys (NM_001370136.1, NM_001370137.1); c.1117+597C>T (NM_001370139.1, NM_001370140.1, NM_001370141.1 and 3 more transcripts); c.1444+270C>T (NM_001370138.1, NM_001256468.2); c.846+6276C>T (NM_001370133.1); c.193-3173C>T (NM_001370134.1); c.929-1265C>T (NM_001370143.1, NM_001370144.1); c.193-12968C>T (NM_001370135.1); short protein forms R572C.
Identifiers: ClinVar variation 806517 (VCV000806517.52), dbSNP rs766989154, ClinGen allele CA5564462.
Genomic context (GRCh38, chr10:74,976,051, plus strand): 5'-ACCACTCAGGGACAGTCTCGCAAAAAGGGACACCCGAGTTATGCACCACCCAAACGTATG[C>T]GTCGTAAAACTGAATTATCTTCCACGGCAAAATCTAAAGCCCACTTCTTTGGCAAAAGAG-3'
Protein context (NP_036462.2, residues 562-582): HPSYAPPKRM[Arg572Cys]RKTELSSTAK